The following is an entry in ClinVar:

NM_006612.6(KIF1C):c.2989G>A (p.Gly997Arg)

Gene: KIF1C (kinesin family member 1C; plus strand). Cytogenetic location: 17p13.2.
Variant type: single nucleotide variant.
Coding change: c.2989G>A on transcript NM_006612.6 (MANE Select); coding-DNA position 2989, G replaced by A.
Protein change: p.Gly997Arg; replaces glycine 997 with arginine.
Molecular consequence: missense variant.
Genome position (GRCh38, 1-based): chr17:5,023,828, G>A. VCF-style: chr17-5023828-G-A. GRCh37 (hg19) VCF-style: chr17-4927123-G-A.
Other names: short protein forms G997R.
Identifiers: ClinVar variation 1326689 (VCV001326689.6), dbSNP rs774701979, ClinGen allele CA8319448.
Genomic context (GRCh38, chr17:5,023,828, plus strand): 5'-CTACGCTTCCCCTTCAAGAGCAACCCCCAGCACCGGGAGTCTTGGCCAGGGATGGGGAGC[G>A]GGGAGGCTCCAACTCCGCTCCAACCCCCTGAGGAGGTCACTCCCCATCCAGCCACCCCTG-3'
Protein context (NP_006603.2, residues 987-1007): HRESWPGMGS[Gly997Arg]EAPTPLQPPE

ClinVar aggregate classification (germline): Uncertain significance. Review status: criteria provided, multiple submitters, no conflicts (2 of 4 stars). 2 submissions from 2 submitters: Uncertain significance (2). Last evaluated 2022-07-27.

Conditions:
Spastic ataxia 2. Also called: Ataxia, spastic, 2, autosomal recessive. Identifiers: Orphanet 397946, MedGen C1969796, MONDO:0012651, OMIM 611302.

Allele frequency attached by ClinVar (database versions not stated): ExAC 0.00001; gnomAD 0.00002; gnomAD exomes 0.00002; TOPMed 0.00003.
gnomAD v4.1: 71 of 1,518,288 alleles (0.0047%); highest among the groups gnomAD compares: Middle Eastern, 0.018%; no homozygotes.

Submissions (2):

Labcorp Genetics (formerly Invitae), Labcorp
Classification: Uncertain significance for Spastic ataxia 2. Last evaluated: 2022-07-27. Review status: criteria provided, single submitter. Criteria: Invitae Variant Classification Sherloc (09022015). Collection method: clinical testing. Allele origin: germline.
Comment: In summary, the available evidence is currently insufficient to determine the role of this variant in disease. Therefore, it has been classified as a Variant of Uncertain Significance. Algorithms developed to predict the effect of missense changes on protein structure and function output the following: SIFT: "Tolerated"; PolyPhen-2: "Probably Damaging"; Align-GVGD: "Class C0". The arginine amino acid residue is found in multiple mammalian species, which suggests that this missense change does not adversely affect protein function. ClinVar contains an entry for this variant (Variation ID: 1326689). This missense change has been observed in individual(s) with ataxia (PMID: 29482223). This variant is present in population databases (rs774701979, gnomAD 0.009%). This sequence change replaces glycine, which is neutral and non-polar, with arginine, which is basic and polar, at codon 997 of the KIF1C protein (p.Gly997Arg).

GeneDx
Classification: Uncertain significance. Last evaluated: 2021-05-25. Review status: criteria provided, single submitter. Criteria: GeneDx Variant Classification Process June 2021. Collection method: clinical testing. Allele origin: germline. Affected: yes.
Comment: Not observed at significant frequency in large population cohorts (Lek et al., 2016); In silico analysis supports that this missense variant does not alter protein structure/function; This variant is associated with the following publications: (PMID: 29482223)

Literature cited by the submitters: PubMed 29482223 (cited by Labcorp Genetics (formerly Invitae), Labcorp).